The following is an entry in ClinVar:

NM_153704.6(TMEM67):c.88C>T (p.Leu30Phe)

Gene: TMEM67 (transmembrane protein 67; plus strand). Cytogenetic location: 8q22.1.
Variant type: single nucleotide variant.
Coding change: c.88C>T on transcript NM_153704.6 (MANE Select); coding-DNA position 88, C replaced by T.
Protein change: p.Leu30Phe; replaces leucine 30 with phenylalanine.
Molecular consequence: missense variant. On other transcripts: non-coding transcript variant (1), intron variant (1).
Genome position (GRCh38, 1-based): chr8:93,755,002, C>T. VCF-style: chr8-93755002-C-T. GRCh37 (hg19) VCF-style: chr8-94767230-C-T.
Other names: c.-179-18C>T (NM_001142301.1); short protein forms L30F.
Identifiers: ClinVar variation 1416073 (VCV001416073.16), dbSNP rs1376394849, ClinGen allele CA371685208.
Genomic context (GRCh38, chr8:93,755,002, plus strand): 5'-GCAATGGCGGTTTGGTCCCTCTTATCCGCCCGGGCCGTGACCGCGTTCCTTCTGTTGTTC[C>T]TCCCTCGCTTCTTACAGGCCCAGACCTTCTCTTTCCCTTTCCAGCAGCCGGAGAAGTGCG-3'
Protein context (NP_714915.3, residues 20-40): RAVTAFLLLF[Leu30Phe]PRFLQAQTFS

ClinVar aggregate classification (germline): Uncertain significance. Review status: criteria provided, multiple submitters, no conflicts (2 of 4 stars). 6 submissions from 6 submitters: Uncertain significance (6). Last evaluated 2026-04-27.

Conditions:
Nephronophthisis 11 (NPHP11). Identifiers: Orphanet 84081, MedGen C3150796, MONDO:0013302, OMIM 613550.
Bardet-Biedl syndrome 14 (BBS14). Identifiers: Orphanet 110, MedGen C2673874, MONDO:0014442, OMIM 615991.
RHYNS syndrome. Also called: RETINITIS PIGMENTOSA SYNDROME; RETINITIS PIGMENTOSA, HYPOPITUITARISM, NEPHRONOPHTHISIS, AND MILD SKELETAL DYSPLASIA. Identifiers: Orphanet 140976, MedGen C1865794, MONDO:0011202, OMIM 602152.
Meckel syndrome, type 3 (MKS3). Also called: MECKEL-GRUBER SYNDROME, TYPE 3. Identifiers: Orphanet 564, MedGen C1846357, MONDO:0011821, OMIM 607361.
Joubert syndrome 6 (JBTS6). Identifiers: Orphanet 475, MedGen C1853153, MONDO:0012539, OMIM 610688.
COACH syndrome 1. Identifiers: Orphanet 1454, MedGen C5435651, MONDO:0800103, OMIM 216360, MONDO:0008996.
TMEM67-related disorder. Also called: TMEM67-related disorders; TMEM67-related condition. Identifiers: MedGen CN239423.
Inborn genetic diseases. Identifiers: MedGen C0950123, MeSH D030342.
Meckel-Gruber syndrome. Also called: DYSENCEPHALIA SPLANCHNOCYSTICA; GRUBER SYNDROME; Dysencephalia splachnocystica. Identifiers: Orphanet 564, MedGen C0265215, MONDO:0018921.
Joubert syndrome. Also called: JOUBERT-BOLTSHAUSER SYNDROME; Familial aplasia of the vermis. Identifiers: Orphanet 475, MedGen C5979921, MONDO:0018772.

Allele frequency attached by ClinVar (database versions not stated): gnomAD exomes below 0.00001; gnomAD 0.00001.
gnomAD v4.1: 3 of 1,614,112 alleles (0.00019%); highest among the groups gnomAD compares: Admixed American, 0.005%; no homozygotes.

Submissions (6):

PreventionGenetics, part of Exact Sciences
Classification: Uncertain significance for TMEM67-related condition. Last evaluated: 2026-04-27. Review status: criteria provided, single submitter. Criteria: ACMG Guidelines, 2015. Collection method: clinical testing. Allele origin: germline.
Comment: The TMEM67 c.88C>T variant is predicted to result in the amino acid substitution p.Leu30Phe. To our knowledge, this variant has not been reported in the literature. This variant is reported in 0.0029% of alleles in individuals of Latino descent in gnomAD. At this time, the clinical significance of this variant is uncertain due to the absence of conclusive functional and genetic evidence.

Fulgent Genetics
Classification: Uncertain significance for COACH syndrome 1; RHYNS syndrome; Meckel syndrome, type 3; Joubert syndrome 6; Nephronophthisis 11; Bardet-Biedl syndrome 14. Last evaluated: 2024-04-10. Review status: criteria provided, single submitter. Criteria: ACMG Guidelines, 2015. Collection method: clinical testing. Allele origin: germline.

Ambry Genetics
Classification: Uncertain significance for Inborn genetic diseases. Last evaluated: 2022-06-27. Review status: criteria provided, single submitter. Criteria: Ambry Variant Classification Scheme 2023. Collection method: clinical testing. Allele origin: germline.

Labcorp Genetics (formerly Invitae), Labcorp
Classification: Uncertain significance for Joubert syndrome; Meckel-Gruber syndrome. Last evaluated: 2022-06-01. Review status: criteria provided, single submitter. Criteria: Invitae Variant Classification Sherloc (09022015). Collection method: clinical testing. Allele origin: germline.
Comment: This sequence change replaces leucine, which is neutral and non-polar, with phenylalanine, which is neutral and non-polar, at codon 30 of the TMEM67 protein (p.Leu30Phe). This variant is present in population databases (no rsID available, gnomAD 0.003%). This variant has not been reported in the literature in individuals affected with TMEM67-related conditions. ClinVar contains an entry for this variant (Variation ID: 1416073). Advanced modeling of protein sequence and biophysical properties (such as structural, functional, and spatial information, amino acid conservation, physicochemical variation, residue mobility, and thermodynamic stability) performed at Invitae indicates that this missense variant is not expected to disrupt TMEM67 protein function. In summary, the available evidence is currently insufficient to determine the role of this variant in disease. Therefore, it has been classified as a Variant of Uncertain Significance.

GeneDx
Classification: Uncertain significance. Last evaluated: 2022-03-01. Review status: criteria provided, single submitter. Criteria: GeneDx Variant Classification Process June 2021. Collection method: clinical testing. Allele origin: germline. Affected: yes.
Comment: Not observed at significant frequency in large population cohorts (gnomAD); In silico analysis supports that this missense variant does not alter protein structure/function; Has not been previously published as pathogenic or benign to our knowledge

Breakthrough Genomics
Classification: Uncertain significance. Review status: criteria provided, single submitter. Criteria: ACMG Guidelines, 2015. Collection method: not provided. Allele origin: germline. Inheritance: Autosomal recessive inheritance. Affected: yes.